The following is an entry in ClinVar:

NM_182961.4(SYNE1):c.20255A>G (p.Asp6752Gly)

Gene: SYNE1 (spectrin repeat containing nuclear envelope protein 1; minus strand). Cytogenetic location: 6q25.2.
Variant type: single nucleotide variant.
Coding change: c.20255A>G on transcript NM_182961.4 (MANE Select); coding-DNA position 20255, A replaced by G.
Protein change: p.Asp6752Gly; replaces aspartic acid 6752 with glycine.
Molecular consequence: missense variant.
Genome position (GRCh38, 1-based): chr6:152,236,248, T>C on the plus strand (A>G on the coding strand, the complement: SYNE1 is on the minus strand). VCF-style: chr6-152236248-T-C. GRCh37 (hg19) VCF-style: chr6-152557383-T-C.
Other names: c.20042A>G, p.Asp6681Gly (NM_033071.5); short protein forms D6681G, D6752G.
Identifiers: ClinVar variation 1676044 (VCV001676044.33), dbSNP rs1369753676, ClinGen allele CA366122474.

ClinVar aggregate classification (germline): Uncertain significance (1 of 4 stars; one submission).

Allele frequency attached by ClinVar (database versions not stated): gnomAD exomes below 0.00001 and 0.00002; TOPMed below 0.00001.
gnomAD v4.1: 30 of 1,614,140 alleles (0.0019%); highest among the groups gnomAD compares: Non-Finnish European, 0.0023%; no homozygotes.

Submission:

CeGaT Center for Human Genetics Tuebingen
Classification: Uncertain significance. Last evaluated: 2024-01-01. Review status: criteria provided, single submitter. Criteria: CeGaT Center For Human Genetics Tuebingen Variant Classification Criteria Version 2. Collection method: clinical testing. Allele origin: germline. Affected: yes. Observed: 2 variant alleles.
Comment: SYNE1: PM2, BP4